The following is an entry in ClinVar:

NM_014055.4(IFT81):c.967A>G (p.Ile323Val)

Gene: IFT81 (intraflagellar transport 81; plus strand). Cytogenetic location: 12q24.11.
Variant type: single nucleotide variant.
Coding change: c.967A>G on transcript NM_014055.4 (MANE Select); coding-DNA position 967, A replaced by G.
Protein change: p.Ile323Val; replaces isoleucine 323 with valine.
Molecular consequence: missense variant. On other transcripts: non-coding transcript variant (4).
Genome position (GRCh38, 1-based): chr12:110,146,974, A>G. VCF-style: chr12-110146974-A-G. GRCh37 (hg19) VCF-style: chr12-110584779-A-G.
Other names: c.967A>G, p.Ile323Val (NM_001143779.2, NM_001347946.2, NM_031473.4); c.37A>G, p.Ile13Val (NM_001347947.2, NM_001347948.2); short protein forms I13V, I323V.
Identifiers: ClinVar variation 2094838 (VCV002094838.4), dbSNP rs2499866211, ClinGen allele CA386911851.

ClinVar aggregate classification (germline): Uncertain significance (1 of 4 stars; one submission).

Submission:

Labcorp Genetics (formerly Invitae), Labcorp
Classification: Uncertain significance. Last evaluated: 2023-07-17. Review status: criteria provided, single submitter. Criteria: Invitae Variant Classification Sherloc (09022015). Collection method: clinical testing. Allele origin: germline.
Comment: This variant is not present in population databases (gnomAD no frequency). This variant has not been reported in the literature in individuals affected with IFT81-related conditions. ClinVar contains an entry for this variant (Variation ID: 2094838). Advanced modeling of protein sequence and biophysical properties (such as structural, functional, and spatial information, amino acid conservation, physicochemical variation, residue mobility, and thermodynamic stability) performed at Invitae indicates that this missense variant is not expected to disrupt IFT81 protein function. In summary, the available evidence is currently insufficient to determine the role of this variant in disease. Therefore, it has been classified as a Variant of Uncertain Significance. This sequence change replaces isoleucine, which is neutral and non-polar, with valine, which is neutral and non-polar, at codon 323 of the IFT81 protein (p.Ile323Val).